The following is an entry in ClinVar:

ClinVar aggregate classification (germline): Uncertain significance (1 of 4 stars; one submission).

Conditions:
Melnick-Fraser syndrome (BOR). Also called: Branchiootorenal syndrome; Branchio-oto-renal syndrome; Branchiootorenal Syndrome (BORS). Identifiers: Orphanet 107, MedGen C0265234, MONDO:0007029.

Submission:

Labcorp Genetics (formerly Invitae), Labcorp
Classification: Uncertain significance for Melnick-Fraser syndrome. Last evaluated: 2024-09-15. Review status: criteria provided, single submitter. Criteria: Invitae Variant Classification Sherloc (09022015). Collection method: clinical testing. Allele origin: germline.
Comment: This sequence change replaces asparagine, which is neutral and polar, with tyrosine, which is neutral and polar, at codon 497 of the EYA1 protein (p.Asn497Tyr). This variant is not present in population databases (gnomAD no frequency). This variant has not been reported in the literature in individuals affected with EYA1-related conditions. Invitae Evidence Modeling of protein sequence and biophysical properties (such as structural, functional, and spatial information, amino acid conservation, physicochemical variation, residue mobility, and thermodynamic stability) indicates that this missense variant is not expected to disrupt EYA1 protein function with a negative predictive value of 80%. In summary, the available evidence is currently insufficient to determine the role of this variant in disease. Therefore, it has been classified as a Variant of Uncertain Significance.

NM_000503.6(EYA1):c.1489A>T (p.Asn497Tyr)

Gene: EYA1 (EYA transcriptional coactivator and phosphatase 1; minus strand). Cytogenetic location: 8q13.3.
Variant type: single nucleotide variant.
Coding change: c.1489A>T on transcript NM_000503.6 (MANE Select); coding-DNA position 1489, A replaced by T.
Protein change: p.Asn497Tyr; replaces asparagine 497 with tyrosine.
Molecular consequence: missense variant.
Genome position (GRCh38, 1-based): chr8:71,215,495, T>A on the plus strand (A>T on the coding strand, the complement: EYA1 is on the minus strand). VCF-style: chr8-71215495-T-A. GRCh37 (hg19) VCF-style: chr8-72127730-T-A.
Other names: c.1471A>T, p.Asn491Tyr (NM_001288574.2, NM_172059.5); c.1123A>T, p.Asn375Tyr (NM_001288575.2); c.1576A>T, p.Asn526Tyr (NM_001370333.1); c.1489A>T, p.Asn497Tyr (NM_001370334.1, NM_001370335.1, NM_172058.4); c.1468A>T, p.Asn490Tyr (NM_001370336.1); c.1390A>T, p.Asn464Tyr (NM_001411797.1, NM_172060.4); short protein forms N464Y, N526Y, N375Y, N490Y, N491Y, N497Y.
Identifiers: ClinVar variation 3662703 (VCV003662703.2).